The following is an entry in ClinVar:

NM_006019.4(TCIRG1):c.418-1G>C

Gene: TCIRG1 (T cell immune regulator 1, ATPase H+ transporting V0 subunit a3; plus strand). Cytogenetic location: 11q13.2.
Variant type: single nucleotide variant.
Coding change: c.418-1G>C on transcript NM_006019.4 (MANE Select); the canonical splice acceptor site of the intron before coding-DNA position 418, G replaced by C.
Molecular consequence: splice acceptor variant.
Genome position (GRCh38, 1-based): chr11:68,042,945, G>C. VCF-style: chr11-68042945-G-C. GRCh37 (hg19) VCF-style: chr11-67810412-G-C.
Other names: c.-832-1G>C (NM_001351059.2).
Identifiers: ClinVar variation 2679105 (VCV002679105.4), dbSNP rs2495616858, ClinGen allele CA381576650.

ClinVar aggregate classification (germline): Likely pathogenic. Review status: criteria provided, multiple submitters, no conflicts (2 of 4 stars). 2 submissions from 2 submitters: Likely pathogenic (2). Last evaluated 2023-10-07.

Conditions:
Autosomal recessive osteopetrosis 1. Also called: ALBERS-SCHONBERG DISEASE, AUTOSOMAL RECESSIVE; TCIRG1-Related Autosomal Recessive Osteopetrosis; TCIRG1-Related Osteopetrosis. Identifiers: Orphanet 667, MedGen C1850127, MONDO:0009815, OMIM 259700.

Submissions (2):

Baylor Genetics
Classification: Likely pathogenic for Autosomal recessive osteopetrosis 1. Last evaluated: 2023-10-07. Review status: criteria provided, single submitter. Criteria: ACMG Guidelines, 2015. Collection method: clinical testing. Allele origin: unknown.

Labcorp Genetics (formerly Invitae), Labcorp
Classification: Likely pathogenic. Last evaluated: 2023-08-10. Review status: criteria provided, single submitter. Criteria: Invitae Variant Classification Sherloc (09022015). Collection method: clinical testing. Allele origin: germline.
Comment: In summary, the currently available evidence indicates that the variant is pathogenic, but additional data are needed to prove that conclusively. Therefore, this variant has been classified as Likely Pathogenic. Algorithms developed to predict the effect of sequence changes on RNA splicing suggest that this variant may disrupt the consensus splice site. This variant has not been reported in the literature in individuals affected with TCIRG1-related conditions. This variant is not present in population databases (gnomAD no frequency). This sequence change affects an acceptor splice site in intron 4 of the TCIRG1 gene. It is expected to disrupt RNA splicing. Variants that disrupt the donor or acceptor splice site typically lead to a loss of protein function (PMID: 16199547), and loss-of-function variants in TCIRG1 are known to be pathogenic (PMID: 10888887, 10942435, 11532986, 19448635).

Literature cited by the submitters: PubMed 16199547 (cited by Labcorp Genetics (formerly Invitae), Labcorp); PubMed 10888887 (cited by Labcorp Genetics (formerly Invitae), Labcorp); PubMed 10942435 (cited by Labcorp Genetics (formerly Invitae), Labcorp); PubMed 11532986 (cited by Labcorp Genetics (formerly Invitae), Labcorp); PubMed 19448635 (cited by Labcorp Genetics (formerly Invitae), Labcorp).